The following is an entry in ClinVar:

NM_032608.7(MYO18B):c.6901C>T (p.Leu2301Phe)

Gene: MYO18B (myosin XVIIIB; plus strand). Cytogenetic location: 22q12.1.
Variant type: single nucleotide variant.
Coding change: c.6901C>T on transcript NM_032608.7 (MANE Select); coding-DNA position 6901, C replaced by T.
Protein change: p.Leu2301Phe; replaces leucine 2301 with phenylalanine.
Molecular consequence: missense variant.
Genome position (GRCh38, 1-based): chr22:26,026,875, C>T. VCF-style: chr22-26026875-C-T. GRCh37 (hg19) VCF-style: chr22-26422841-C-T.
Other names: c.6904C>T, p.Leu2302Phe (NM_001318245.2); short protein forms L2302F, L2301F.
Identifiers: ClinVar variation 2120373 (VCV002120373.4), dbSNP rs182723137, ClinGen allele CA10161642.

ClinVar aggregate classification (germline): Uncertain significance (1 of 4 stars; one submission).

Allele frequency attached by ClinVar (database versions not stated): gnomAD exomes below 0.00001; TOPMed below 0.00001; ExAC 0.00002; gnomAD 0.00003; 1000 Genomes Project 30x 0.00062; 1000 Genomes Project 0.00080.
gnomAD v4.1: 10 of 1,598,434 alleles (0.00063%); highest among the groups gnomAD compares: African/African-American, 0.011%; 1 homozygote.

Submission:

Labcorp Genetics (formerly Invitae), Labcorp
Classification: Uncertain significance. Last evaluated: 2022-10-17. Review status: criteria provided, single submitter. Criteria: Invitae Variant Classification Sherloc (09022015). Collection method: clinical testing. Allele origin: germline.
Comment: In summary, the available evidence is currently insufficient to determine the role of this variant in disease. Therefore, it has been classified as a Variant of Uncertain Significance. Algorithms developed to predict the effect of missense changes on protein structure and function are either unavailable or do not agree on the potential impact of this missense change (SIFT: "Not Available"; PolyPhen-2: "Probably Damaging"; Align-GVGD: "Not Available"). This variant has not been reported in the literature in individuals affected with MYO18B-related conditions. This variant is present in population databases (rs182723137, gnomAD 0.01%). This sequence change replaces leucine, which is neutral and non-polar, with phenylalanine, which is neutral and non-polar, at codon 2301 of the MYO18B protein (p.Leu2301Phe).